The following is an entry in ClinVar:

ClinVar aggregate classification (germline): Pathogenic/Likely pathogenic. Review status: criteria provided, multiple submitters, no conflicts (2 of 4 stars). 5 submissions from 5 submitters: Pathogenic (1); Likely pathogenic (4). Last evaluated 2026-09-08.

Conditions:
Fabry disease. Also called: Ceramide trihexosidosis; ALPHA-GALACTOSIDASE A DEFICIENCY; ANDERSON-FABRY DISEASE; CERAMIDE TRIHEXOSIDASE DEFICIENCY; GLA DEFICIENCY; HEREDITARY DYSTOPIC LIPIDOSIS. Identifiers: Orphanet 324, MedGen C0002986, MONDO:0010526, OMIM 301500, HP:0001071. Disease mechanism: Fabry disease is due to inactivating mutations in the X-linked GLA gene resulting in deficiency of the enzyme Alpha Galactosidase-A., loss of function.

Submissions (5):

Genomenon, Inc
Classification: Likely pathogenic for Fabry disease. Last evaluated: 2026-09-08. Review status: criteria provided, single submitter. Criteria: Genomenon Sequence Variant Interpretation Standards - Updated. Collection method: curation. Allele origin: germline. Affected: yes.
Comment: GLA p.Gln386Pro (c.1157A>C) is a missense variant that changes the amino acid at codon 386 from Glutamine to Proline. This variant has been observed in at least one proband with clinical features consistent with Fabry disease (PMID:36165155;16595074). At least one functional study has demonstrated a substantial alteration in protein function relative to the wild-type (PMID:32023956;27657681). It is absent or not present at a significant frequency in gnomAD. In silico models predict that this variant is possibly or probably damaging. In conclusion, we classify GLA p.Gln386Pro (c.1157A>C) as a likely pathogenic variant.

Genome-Nilou Lab
Classification: Likely pathogenic for Fabry disease. Last evaluated: 2021-07-15. Review status: criteria provided, single submitter. Criteria: ACMG Guidelines, 2015. Collection method: clinical testing. Allele origin: germline. Affected: no.

Labcorp Genetics (formerly Invitae), Labcorp
Classification: Likely pathogenic for Fabry disease. Last evaluated: 2018-11-08. Review status: criteria provided, single submitter. Criteria: Invitae Variant Classification Sherloc (09022015). Collection method: clinical testing. Allele origin: germline.
Comment: In summary, the currently available evidence indicates that the variant is pathogenic, but additional data are needed to prove that conclusively. Therefore, this variant has been classified as Likely Pathogenic. Experimental studies have shown that this missense change impairs GLA enzymatic activity (PMID: 23935525). This variant has been observed in several individuals affected with Fabry disease (PMID: 16595074, Invitae). ClinVar contains an entry for this variant (Variation ID: 198400). This variant is not present in population databases (ExAC no frequency). This sequence change replaces glutamine with proline at codon 386 of the GLA protein (p.Gln386Pro). The glutamine residue is highly conserved and there is a moderate physicochemical difference between glutamine and proline.

Laboratory for Molecular Medicine, Mass General Brigham Personalized Medicine
Classification: Likely pathogenic for Fabry disease. Last evaluated: 2018-07-30. Review status: criteria provided, single submitter. Criteria: LMM Criteria. Collection method: clinical testing. Allele origin: germline. Inheritance: X-linked inheritance. Observed: 1 variant allele.
Comment: The p.Gln386Pro variant in GLA has been reported in 1 individual with Fabry dise ase (Shabbeer 2006) and was absent from large population studies. This variant h as been reported in ClinVar (Variation ID 198400). Studies demonstrated that thi s variant was associated with reduced enzyme activity in patient samples (Shabbe er 2006) and in a transfected cell line (0% activity; Lukas 2013). However, thes e types of assays may not accurately represent biological function. Additional c omputational prediction tools and conservation analysis suggest that this varian t may impact the protein, though this information is not predictive enough to de termine pathogenicity (Riera 2015). In summary, this variant is likely to be pat hogenic, though additional studies are required to fully establish its clinical significance. ACMG/AMP Criteria applied: PM2, PS3_Moderate, PS4_Supporting.

Eurofins Ntd Llc (ga)
Classification: Pathogenic. Last evaluated: 2015-03-05. Review status: criteria provided, single submitter. Criteria: EGL Classification Definitions 2015. Collection method: clinical testing. Allele origin: germline. Observed: 2 variant alleles, 2 heterozygotes.

Literature cited by the submitters: PubMed 36165155 (cited by Genomenon, Inc); PubMed 16595074 (cited by 3 submitters); PubMed 32023956 (cited by Genomenon, Inc); PubMed 27657681 (cited by Genomenon, Inc); PubMed 23935525 (cited by Labcorp Genetics (formerly Invitae), Labcorp and Laboratory for Molecular Medicine, Mass General Brigham Personalized Medicine); PubMed 25382311 (cited by Laboratory for Molecular Medicine, Mass General Brigham Personalized Medicine).

NM_000169.3(GLA):c.1157A>C (p.Gln386Pro)

Genes: GLA (galactosidase alpha; minus strand), RPL36A-HNRNPH2 (RPL36A-HNRNPH2 readthrough; plus strand). Cytogenetic location: Xq22.1.
Variant type: single nucleotide variant.
Coding change: c.1157A>C on transcript NM_000169.3 (MANE Select); coding-DNA position 1157, A replaced by C.
Protein change: p.Gln386Pro; replaces glutamine 386 with proline.
Molecular consequence: missense variant. On other transcripts: non-coding transcript variant (3), intron variant (2).
Genome position (GRCh38, 1-based): chrX:101,397,942, T>G on the plus strand (A>C on the coding strand, the complement: GLA is on the minus strand). VCF-style: chrX-101397942-T-G. GRCh37 (hg19) VCF-style: chrX-100652930-T-G.
Other names: c.1280A>C, p.Gln427Pro (NM_001406747.1); c.300+2485T>G (NM_001199973.2); c.177+6120T>G (NM_001199974.2); short protein forms Q386P, Q427P.
Identifiers: ClinVar variation 198400 (VCV000198400.22), dbSNP rs797044775, ClinGen allele CA021426.
Genomic context (GRCh38, chrX:101,397,942, plus strand): 5'-TGACTTCTTAACCTTGAAGTCCATTCATAGAACCCTAGCTTCCTTTTCACAGGGAGGAGC[T>G]GTGTGATGAAGCAGGCAGGATTACAGGCCACTCCTTTACCCAGGGAAGCAACTGCGATGG-3'
Protein context (NP_000160.1, residues 376-396): VACNPACFIT[Gln386Pro]LLPVKRKLGF